The following is an entry in ClinVar:

ClinVar aggregate classification (germline): Uncertain significance (1 of 4 stars; one submission).

Submission:

GeneDx
Classification: Uncertain significance. Last evaluated: 2024-12-16. Review status: criteria provided, single submitter. Criteria: GeneDx Variant Classification Process June 2021. Collection method: clinical testing. Allele origin: germline. Affected: yes.
Comment: Not observed at significant frequency in large population cohorts (gnomAD); In silico analysis indicates that this missense variant does not alter protein structure/function; Has not been previously published as pathogenic or benign to our knowledge

NM_001170629.2(CHD8):c.1429G>A (p.Glu477Lys)

Gene: CHD8 (chromodomain helicase DNA binding protein 8; minus strand). Cytogenetic location: 14q11.2.
Variant type: single nucleotide variant.
Coding change: c.1429G>A on transcript NM_001170629.2 (MANE Select); coding-DNA position 1429, G replaced by A.
Protein change: p.Glu477Lys; replaces glutamic acid 477 with lysine.
Molecular consequence: missense variant.
Genome position (GRCh38, 1-based): chr14:21,428,041, C>T on the plus strand (G>A on the coding strand, the complement: CHD8 is on the minus strand). VCF-style: chr14-21428041-C-T. GRCh37 (hg19) VCF-style: chr14-21896200-C-T.
Other names: c.592G>A, p.Glu198Lys (NM_020920.4); short protein forms E198K, E477K.
Identifiers: ClinVar variation 3906731 (VCV003906731.1).